The following is an entry in ClinVar:

ClinVar aggregate classification (germline): Uncertain significance. Review status: criteria provided, multiple submitters, no conflicts (2 of 4 stars). 6 submissions from 6 submitters: Uncertain significance (6). Last evaluated 2025-11-03.

Conditions:
Loeys-Dietz syndrome (LDS). Identifiers: Orphanet 60030, MedGen C2697932, MONDO:0018954.
Familial thoracic aortic aneurysm and aortic dissection (TAAD). Also called: Thoracic aortic aneurysms and dissections. Identifiers: Orphanet 91387, MedGen C4707243, MONDO:0019625.

Allele frequency attached by ClinVar (database versions not stated): gnomAD exomes below 0.00001; TOPMed 0.00003; gnomAD 0.00006.
gnomAD v4.1: 13 of 1,613,554 alleles (0.00081%); highest among the groups gnomAD compares: African/African-American, 0.017%; no homozygotes.

Submissions (6):

Labcorp Genetics (formerly Invitae), Labcorp
Classification: Uncertain significance for Familial thoracic aortic aneurysm and aortic dissection. Last evaluated: 2025-11-03. Review status: criteria provided, single submitter. Criteria: Invitae Variant Classification Sherloc (09022015). Collection method: clinical testing. Allele origin: germline.
Comment: This sequence change replaces serine, which is neutral and polar, with cysteine, which is neutral and slightly polar, at codon 434 of the TGFBR1 protein (p.Ser434Cys). This variant is present in population databases (no rsID available, gnomAD 0.007%). This variant has not been reported in the literature in individuals affected with TGFBR1-related conditions. ClinVar contains an entry for this variant (Variation ID: 264193). Invitae Evidence Modeling of protein sequence and biophysical properties (such as structural, functional, and spatial information, amino acid conservation, physicochemical variation, residue mobility, and thermodynamic stability) indicates that this missense variant is not expected to disrupt TGFBR1 protein function with a negative predictive value of 80%. In summary, the available evidence is currently insufficient to determine the role of this variant in disease. Therefore, it has been classified as a Variant of Uncertain Significance.

GeneDx
Classification: Uncertain significance. Last evaluated: 2024-12-06. Review status: criteria provided, single submitter. Criteria: GeneDx Variant Classification Process June 2021. Collection method: clinical testing. Allele origin: germline. Affected: yes.
Comment: Not observed at significant frequency in large population cohorts (gnomAD); In silico analysis supports that this missense variant has a deleterious effect on protein structure/function; Has not been previously published as pathogenic or benign to our knowledge

All of Us Research Program, National Institutes of Health
Classification: Uncertain significance for Loeys-Dietz syndrome. Last evaluated: 2024-08-06. Review status: criteria provided, single submitter. Criteria: ACMG Guidelines, 2015. Collection method: clinical testing. Allele origin: germline. Inheritance: Autosomal dominant inheritance. Observed: 6 variant alleles, 6 heterozygotes.
Comment: This missense variant replaces serine with cysteine at codon 434 of the TGFBR1 protein. Computational prediction suggests that this variant may have deleterious impact on protein structure and function (internally defined REVEL score threshold >= 0.7, PMID: 27666373). To our knowledge, functional studies have not been reported for this variant. This variant has not been reported in individuals affected with cardiovascular disorders in the literature. This variant has been identified in 1/250892 chromosomes in the general population by the Genome Aggregation Database (gnomAD). The available evidence is insufficient to determine the role of this variant in disease conclusively. Therefore, this variant is classified as a Variant of Uncertain Significance.

This study involves interpretation of variants in research participants for the purpose of population health screening. Participant phenotype was not available at the time of variant classification. Additional details can be found in publication PMID: 35346344, PMCID: PMC8962531

Color Diagnostics, LLC DBA Color Health
Classification: Uncertain significance for Familial thoracic aortic aneurysm and aortic dissection. Last evaluated: 2024-03-06. Review status: criteria provided, single submitter. Criteria: ACMG Guidelines, 2015. Collection method: clinical testing. Allele origin: germline.
Comment: This missense variant replaces serine with cysteine at codon 434 of the TGFBR1 protein. Computational prediction suggests that this variant may have deleterious impact on protein structure and function. To our knowledge, functional studies have not been reported for this variant. This variant has not been reported in individuals affected with TGFBR1-related disorders in the literature. This variant has been identified in 1/250892 chromosomes in the general population by the Genome Aggregation Database (gnomAD). The available evidence is insufficient to determine the role of this variant in disease conclusively. Therefore, this variant is classified as a Variant of Uncertain Significance.

AiLife Diagnostics
Classification: Uncertain significance. Last evaluated: 2022-02-22. Review status: criteria provided, single submitter. Criteria: ACMG Guidelines, 2015. Collection method: clinical testing. Allele origin: germline. Affected: yes. Observed: 1 variant allele.

Ambry Genetics
Classification: Uncertain significance for Familial thoracic aortic aneurysm and aortic dissection. Last evaluated: 2015-08-06. Review status: criteria provided, single submitter. Criteria: Ambry Variant Classification Scheme 2023. Collection method: clinical testing. Allele origin: germline.
Comment: The p.S434C variant (also known as c.1301C>G), located in coding exon 8 of the TGFBR1 gene, results from a C to G substitution at nucleotide position 1301. The serine at codon 434 is replaced by cysteine, an amino acid with dissimilar properties. This variant was not reported in population based cohorts in the following databases: Database of Single Nucleotide Polymorphisms (dbSNP), NHLBI Exome Sequencing Project (ESP), and 1000 Genomes Project. In the ESP, this variant was not observed in 6503 samples (13006 alleles) with coverage at this position. This amino acid position is highly conserved in available vertebrate species. In addition, this alteration is predicted to be deleterious by in silico analysis. Based on available evidence to date, the clinical significance of this variant remains unclear.

NM_004612.4(TGFBR1):c.1301C>G (p.Ser434Cys)

Gene: TGFBR1 (transforming growth factor beta receptor 1; plus strand). Cytogenetic location: 9q22.33.
Variant type: single nucleotide variant.
Coding change: c.1301C>G on transcript NM_004612.4 (MANE Select); coding-DNA position 1301, C replaced by G.
Protein change: p.Ser434Cys; replaces serine 434 with cysteine.
Molecular consequence: missense variant.
Genome position (GRCh38, 1-based): chr9:99,147,699, C>G. VCF-style: chr9-99147699-C-G. GRCh37 (hg19) VCF-style: chr9-101909981-C-G.
Other names: c.1070C>G, p.Ser357Cys (NM_001130916.3); c.1313C>G, p.Ser438Cys (NM_001306210.2); short protein forms S434C, S357C, S438C.
Identifiers: ClinVar variation 264193 (VCV000264193.20), dbSNP rs886039078, ClinGen allele CA10587686.